The following is an entry in ClinVar:

ClinVar aggregate classification (germline): Conflicting classifications of pathogenicity. Review status: criteria provided, conflicting classifications (1 of 4 stars). 4 submissions from 4 submitters: Uncertain significance (3); Likely benign (1). Last evaluated 2024-02-17.

Conditions:
Charcot-Marie-Tooth disease type 2. Also called: Charcot-Marie-Tooth type 2. Identifiers: Orphanet 64746, MedGen C0270914, MONDO:0018993.
Charcot-Marie-Tooth disease. Also called: Charcot-Marie-Tooth Hereditary Neuropathy; Charcot-Marie-Tooth Neuropathy. Identifiers: Orphanet 166, MedGen C0007959, MONDO:0015626.

Allele frequency attached by ClinVar (database versions not stated): gnomAD exomes 0.00006; ExAC 0.00007; TOPMed 0.00002.
gnomAD v4.1: 43 of 1,613,198 alleles (0.0027%); highest among the groups gnomAD compares: Non-Finnish European, 0.0036%; no homozygotes.

Submissions (4):

Labcorp Genetics (formerly Invitae), Labcorp
Classification: Uncertain significance for Charcot-Marie-Tooth disease type 2. Last evaluated: 2024-02-17. Review status: criteria provided, single submitter. Criteria: Invitae Variant Classification Sherloc (09022015). Collection method: clinical testing. Allele origin: germline.
Comment: This sequence change replaces serine, which is neutral and polar, with asparagine, which is neutral and polar, at codon 544 of the KIF1B protein (p.Ser544Asn). This variant is present in population databases (rs768672234, gnomAD 0.01%). This variant has not been reported in the literature in individuals affected with KIF1B-related conditions. ClinVar contains an entry for this variant (Variation ID: 838914). Algorithms developed to predict the effect of missense changes on protein structure and function output the following: SIFT: "Not Available"; PolyPhen-2: "Benign"; Align-GVGD: "Not Available". The asparagine amino acid residue is found in multiple mammalian species, which suggests that this missense change does not adversely affect protein function. In summary, the available evidence is currently insufficient to determine the role of this variant in disease. Therefore, it has been classified as a Variant of Uncertain Significance.

Institute for Clinical Genetics, University Hospital TU Dresden, University Hospital TU Dresden
Classification: Uncertain significance. Last evaluated: 2021-11-03. Review status: criteria provided, single submitter. Criteria: ACMG Guidelines, 2015. Collection method: clinical testing. Allele origin: germline.

Ambry Genetics
Classification: Likely benign. Last evaluated: 2020-09-14. Review status: criteria provided, single submitter. Criteria: Ambry Variant Classification Scheme 2023. Collection method: clinical testing. Allele origin: germline.

Molecular Genetics Laboratory, London Health Sciences Centre
Classification: Uncertain significance for Charcot-Marie-Tooth disease. Review status: criteria provided, single submitter. Criteria: ACMG Guidelines, 2015. Collection method: clinical testing. Allele origin: germline. Affected: yes.

NM_001365951.3(KIF1B):c.1769G>A (p.Ser590Asn)

Gene: KIF1B (kinesin family member 1B; plus strand). Cytogenetic location: 1p36.22.
Variant type: single nucleotide variant.
Coding change: c.1769G>A on transcript NM_001365951.3 (MANE Select); coding-DNA position 1769, G replaced by A.
Protein change: p.Ser590Asn; replaces serine 590 with asparagine.
Molecular consequence: missense variant.
Genome position (GRCh38, 1-based): chr1:10,295,758, G>A. VCF-style: chr1-10295758-G-A. GRCh37 (hg19) VCF-style: chr1-10355816-G-A.
Other names: c.1769G>A, p.Ser590Asn (NM_001365952.1); c.1631G>A, p.Ser544Asn (NM_001365953.1, NM_015074.3, NM_183416.4); short protein forms S544N, S590N.
Identifiers: ClinVar variation 838914 (VCV000838914.15), dbSNP rs768672234, ClinGen allele CA581069.
Genomic context (GRCh38, chr1:10,295,758, plus strand): 5'-TGCTGAGCGGGGCTCACATTAAAGAAGAGCATTGTATCTTCCGGAGTGAGAGAAGCAACA[G>A]CGGGGAAGGTGAGCATTCCTGGCTGGAGCTTCAGCAACAACATTTTCATTTTATATTATG-3'
Protein context (NP_001352880.1, residues 580-600): HCIFRSERSN[Ser590Asn]GEVIVTLEPC